The following is an entry in ClinVar:

NM_002519.3(NPAT):c.130G>C (p.Glu44Gln)

Gene: NPAT (nuclear protein, coactivator of histone transcription; minus strand). Cytogenetic location: 11q22.3.
Variant type: single nucleotide variant.
Coding change: c.130G>C on transcript NM_002519.3 (MANE Select); coding-DNA position 130, G replaced by C.
Protein change: p.Glu44Gln; replaces glutamic acid 44 with glutamine.
Molecular consequence: missense variant.
Genome position (GRCh38, 1-based): chr11:108,197,328, C>G on the plus strand (G>C on the coding strand, the complement: NPAT is on the minus strand). VCF-style: chr11-108197328-C-G. GRCh37 (hg19) VCF-style: chr11-108068055-C-G.
Other names: c.130G>C, p.Glu44Gln (NM_001321307.1); short protein forms E44Q.
Identifiers: ClinVar variation 2567977 (VCV002567977.2), dbSNP rs754673164, ClinGen allele CA6264421.

ClinVar aggregate classification (germline): Uncertain significance (1 of 4 stars; one submission).

Allele frequency attached by ClinVar (database versions not stated): ExAC 0.00001; gnomAD 0.00001.
gnomAD v4.1: 1 of 1,609,614 alleles (0.000062%); highest among the groups gnomAD compares: South Asian, 0.0011%; no homozygotes.

Submission:

Ambry Genetics
Classification: Uncertain significance. Last evaluated: 2023-04-14. Review status: criteria provided, single submitter. Criteria: Ambry Variant Classification Scheme 2023. Collection method: clinical testing. Allele origin: germline.
Comment: The p.E44Q variant (also known as c.130G>C), located in coding exon 2 of the NPAT gene, results from a G to C substitution at nucleotide position 130. The glutamic acid at codon 44 is replaced by glutamine, an amino acid with highly similar properties. This amino acid position is conserved. In addition, this alteration is predicted to be tolerated by in silico analysis. Since supporting evidence is limited at this time, the clinical significance of this alteration remains unclear.